The following is an entry in ClinVar:

ClinVar aggregate classification (germline): Uncertain significance (1 of 4 stars; one submission).

Conditions:
Leukocyte adhesion deficiency 1 (LAD1). Also called: LEUKOCYTE ADHESION DEFICIENCY, TYPE I; LAD 1; Lymphocyte function-associated antigen 1 immunodeficiency; LFA 1 immunodeficiency. Identifiers: Orphanet 2968, Orphanet 99842, MedGen C0398738, MONDO:0007293, OMIM 116920.

Submission:

Labcorp Genetics (formerly Invitae), Labcorp
Classification: Uncertain significance for Leukocyte adhesion deficiency 1. Last evaluated: 2019-05-31. Review status: criteria provided, single submitter. Criteria: Invitae Variant Classification Sherloc (09022015). Collection method: clinical testing. Allele origin: germline.
Comment: This variant has not been reported in the literature in individuals with ITGB2-related conditions. In summary, the available evidence is currently insufficient to determine the role of this variant in disease. Therefore, it has been classified as a Variant of Uncertain Significance. Algorithms developed to predict the effect of missense changes on protein structure and function (SIFT, PolyPhen-2, Align-GVGD) all suggest that this variant is likely to be disruptive, but these predictions have not been confirmed by published functional studies and their clinical significance is uncertain. This variant is not present in population databases (ExAC no frequency). This sequence change replaces cysteine with glycine at codon 36 of the ITGB2 protein (p.Cys36Gly). The cysteine residue is highly conserved and there is a large physicochemical difference between cysteine and glycine.

NM_000211.5(ITGB2):c.106T>G (p.Cys36Gly)

Gene: ITGB2 (integrin subunit beta 2; minus strand). Cytogenetic location: 21q22.3.
Variant type: single nucleotide variant.
Coding change: c.106T>G on transcript NM_000211.5 (MANE Select); coding-DNA position 106, T replaced by G.
Protein change: p.Cys36Gly; replaces cysteine 36 with glycine.
Molecular consequence: missense variant. On other transcripts: 5 prime UTR variant (1).
Genome position (GRCh38, 1-based): chr21:44,910,325, A>C on the plus strand (T>G on the coding strand, the complement: ITGB2 is on the minus strand). VCF-style: chr21-44910325-A-C. GRCh37 (hg19) VCF-style: chr21-46330240-A-C.
Other names: c.106T>G, p.Cys36Gly (NM_001127491.3); c.-102T>G (NM_001303238.2); short protein forms C36G.
Identifiers: ClinVar variation 945497 (VCV000945497.10), dbSNP rs2084111337, ClinGen allele CA410480720.